The following is an entry in ClinVar:

NM_001447.3(FAT2):c.2294T>C (p.Ile765Thr)

Gene: FAT2 (FAT atypical cadherin 2; minus strand). Cytogenetic location: 5q33.1.
Variant type: single nucleotide variant.
Coding change: c.2294T>C on transcript NM_001447.3 (MANE Select); coding-DNA position 2294, T replaced by C.
Protein change: p.Ile765Thr; replaces isoleucine 765 with threonine.
Molecular consequence: missense variant.
Genome position (GRCh38, 1-based): chr5:151,566,638, A>G on the plus strand (T>C on the coding strand, the complement: FAT2 is on the minus strand). VCF-style: chr5-151566638-A-G. GRCh37 (hg19) VCF-style: chr5-150946199-A-G.
Other names: short protein forms I765T.
Identifiers: ClinVar variation 2720503 (VCV002720503.3), dbSNP rs144296803, ClinGen allele CA3522095.
Genomic context (GRCh38, chr5:151,566,638, plus strand): 5'-AAATTGGTGGCTTCATAGTCCAAGGGAGCAGCTACAGTGAGCAGCCCTGTCTCCAGCTCT[A>G]TGTCAAAGCAGCCCTCCTCATTGCCATCTGCAATCACATAGACCAGTTTGCCATTAAAAC-3'
Protein context (NP_001438.1, residues 755-775): ADGNEEGCFD[Ile765Thr]ELETGLLTVA

ClinVar aggregate classification (germline): Uncertain significance (1 of 4 stars; one submission).

Allele frequency attached by ClinVar (database versions not stated): TOPMed 0.00006; gnomAD 0.00007; ESP Exome Variant Server 0.00008; ExAC 0.00011; 1000 Genomes Project 30x 0.00016; 1000 Genomes Project 0.00020.
gnomAD v4.1: 61 of 1,614,174 alleles (0.0038%); highest among the groups gnomAD compares: East Asian, 0.038%; no homozygotes.

Submission:

Labcorp Genetics (formerly Invitae), Labcorp
Classification: Uncertain significance. Last evaluated: 2022-12-20. Review status: criteria provided, single submitter. Criteria: Invitae Variant Classification Sherloc (09022015). Collection method: clinical testing. Allele origin: germline.
Comment: This sequence change replaces isoleucine, which is neutral and non-polar, with threonine, which is neutral and polar, at codon 765 of the FAT2 protein (p.Ile765Thr). This variant is present in population databases (rs144296803, gnomAD 0.08%), and has an allele count higher than expected for a pathogenic variant. This variant has not been reported in the literature in individuals affected with FAT2-related conditions. Advanced modeling of protein sequence and biophysical properties (such as structural, functional, and spatial information, amino acid conservation, physicochemical variation, residue mobility, and thermodynamic stability) performed at Invitae indicates that this missense variant is expected to disrupt FAT2 protein function. In summary, the available evidence is currently insufficient to determine the role of this variant in disease. Therefore, it has been classified as a Variant of Uncertain Significance.